The following is an entry in ClinVar:

ClinVar aggregate classification (germline): Pathogenic. Review status: criteria provided, multiple submitters, no conflicts (2 of 4 stars). 11 submissions from 11 submitters: Pathogenic (11). Last evaluated 2026-01-19.

Conditions:
PLA2G6-associated neurodegeneration (PLAN). Also called: phospholipase A2-associated neurodegeneration. Identifiers: Orphanet 329303, MedGen CN204472, MONDO:0017998.
Autosomal recessive Parkinson disease 14. Also called: DYSTONIA-PARKINSONISM, ADULT-ONSET; PARKINSON DISEASE 14. Identifiers: Orphanet 199351, MedGen C2751842, MONDO:0013060, OMIM 612953.
Infantile neuroaxonal dystrophy (NBIA2A). Also called: Infantile neuroaxonal dystrophy 1; NEURODEGENERATION WITH BRAIN IRON ACCUMULATION 2A; SEITELBERGER DISEASE. Identifiers: Orphanet 35069, MedGen C0270724, MONDO:0024457, OMIM 256600.
Neurodegeneration with brain iron accumulation 2B. Also called: NEUROAXONAL DYSTROPHY, ATYPICAL; NEURODEGENERATION WITH BRAIN IRON ACCUMULATION, PLA2G6-RELATED; aNAD; atypical Neuroaxonal Dystrophy (aNAD). Identifiers: Orphanet 35069, MedGen C1857747, MONDO:0012444, OMIM 610217.
Neurodegeneration with brain iron accumulation (NBIA). Identifiers: Orphanet 385, MedGen C2931845, MONDO:0018307.
Iron accumulation in brain. Identifiers: MedGen C4021076, HP:0012675.

Allele frequency attached by ClinVar (database versions not stated): ExAC below 0.00001; gnomAD 0.00001; TOPMed 0.00001; gnomAD exomes 0.00005.
gnomAD v4.1: 46 of 1,544,374 alleles (0.003%); highest among the groups gnomAD compares: Admixed American, 0.0039%; no homozygotes.

Submissions (11):

Women's Health and Genetics/Laboratory Corporation of America, LabCorp
Classification: Pathogenic for Neurodegeneration with brain iron accumulation. Last evaluated: 2026-01-19. Review status: criteria provided, single submitter. Criteria: LabCorp Variant Classification Summary - May 2015. Collection method: clinical testing. Allele origin: germline.
Comment: Variant summary: PLA2G6 c.1903C>T (p.Arg635X) results in a premature termination codon, predicted to cause a truncation of the encoded protein or absence of the protein due to nonsense mediated decay, which are commonly known mechanisms for disease. The variant allele was found at a frequency of 4.8e-05 in 146324 control chromosomes. c.1903C>T has been observed in individual(s) affected with infantile neuroaxonal dystrophy (example: Zhang_2013). These data indicate that the variant may be associated with disease. The following publication has been ascertained in the context of this evaluation (PMID: 22934738). ClinVar contains an entry for this variant (Variation ID: 159749). Based on the evidence outlined above, the variant was classified as pathogenic.

Labcorp Genetics (formerly Invitae), Labcorp
Classification: Pathogenic for Infantile neuroaxonal dystrophy. Last evaluated: 2026-01-05. Review status: criteria provided, single submitter. Criteria: Invitae Variant Classification Sherloc (09022015). Collection method: clinical testing. Allele origin: germline.
Comment: This sequence change creates a premature translational stop signal (p.Arg635*) in the PLA2G6 gene. It is expected to result in an absent or disrupted protein product. Loss-of-function variants in PLA2G6 are known to be pathogenic (PMID: 16783378, 18570303, 18799783, 22213678). This variant is present in population databases (rs587784339, gnomAD 0.009%). This premature translational stop signal has been observed in individuals with infantile neuroaxonal dystrophy and neurodegeneration with brain iron accumulation (PMID: 16783378, 22934738, 24108619, 25164370). ClinVar contains an entry for this variant (Variation ID: 159749). For these reasons, this variant has been classified as Pathogenic.

Fulgent Genetics
Classification: Pathogenic for Infantile neuroaxonal dystrophy; Neurodegeneration with brain iron accumulation 2B; Autosomal recessive Parkinson disease 14. Last evaluated: 2024-05-15. Review status: criteria provided, single submitter. Criteria: ACMG Guidelines, 2015. Collection method: clinical testing. Allele origin: germline.

3billion
Classification: Pathogenic for Infantile neuroaxonal dystrophy. Last evaluated: 2023-02-23. Review status: criteria provided, single submitter. Criteria: ACMG Guidelines, 2015. Collection method: clinical testing. Allele origin: unknown. Affected: yes.
Comment: The variant is observed at an extremely low frequency in the gnomAD v2.1.1 dataset (total allele frequency: 0.005%). This variant was predicted to result in a loss or disruption of normal protein function through nonsense-mediated decay (NMD) or protein truncation. Multiple pathogenic variants are reported downstream of the variant. It has been reported at least twice as pathogenic with clinical assertions and evidence for the classification (PMID: 16783378). Therefore, this variant is classified as Pathogenic according to the recommendation of ACMG/AMP guideline.

Broad Center for Mendelian Genomics, Broad Institute of MIT and Harvard
Classification: Pathogenic for PLA2G6-associated neurodegeneration. Last evaluated: 2023-01-24. Review status: criteria provided, single submitter. Criteria: ACMG Guidelines, 2015. Collection method: curation. Allele origin: germline. Inheritance: Autosomal recessive inheritance.
Comment: The p.Arg635Ter variant in PLA2G6 has been reported in at least 7 individuals with PLA2G6-associated neurodegeneration (PMID: 16783378, 18799783, 22934738, 29859652, 25164370), segregated with disease in 1 affected relative from 1 family (PMID: 25164370), and has been identified in 0.008% (1/11852) of East Asian chromosomes by the Genome Aggregation Database (gnomAD; dbSNP ID: rs587784339). Although this variant has been seen in the general population in a heterozygous state, its frequency is low enough to be consistent with a recessive carrier frequency. This variant has also been reported in ClinVar (Variation ID#: 159749) and has been interpreted as pathogenic by multiple labs. Of the 7 affected individuals, 3 of those were homozygotes, which increases the likelihood that the p.Arg635Ter variant is pathogenic (PMID: 16783378, 18799783, 22934738 29859652). This nonsense variant leads to a premature termination codon at position 635, which is predicted to lead to a truncated or absent protein. Loss of function of the PLA2G6 gene is an established disease mechanism in autosomal recessive PLA2G6-associated neurodegeneration. In summary, this variant meets criteria to be classified as pathogenic for autosomal recessive PLA2G6-associated neurodegeneration. ACMG/AMP Criteria applied: PVS1, PM3, PM2_supporting (Richards 2015).

GeneDx
Classification: Pathogenic. Last evaluated: 2022-06-13. Review status: criteria provided, single submitter. Criteria: GeneDx Variant Classification Process June 2021. Collection method: clinical testing. Allele origin: germline. Affected: yes.
Comment: Observed with a second variant in affected individuals in published literature, but it is not known whether the variants occurred on the same (in cis) or opposite (in trans) chromosomes (Morgan et al., 2006; Sawyer et al., 2014; Romani et al., 2015); Nonsense variant predicted to result in protein truncation or nonsense mediated decay in a gene for which loss-of-function is a known mechanism of disease; Not observed at a significant frequency in large population cohorts (gnomAD); Also denoted as R581X due to alternative nomenclature; This variant is associated with the following publications: (PMID: 25525159, 29859652, 32357911, 22934738, 25744623, 28091863, 29482223, 30340910, 25164370, 31689548, 31589614, 27535533, 24108619, 16783378)

Illumina Laboratory Services, Illumina
Classification: Pathogenic for PLA2G6-associated neurodegeneration. Last evaluated: 2020-02-07. Review status: criteria provided, single submitter. Criteria: ICSLVariantClassificationCriteria RUGD 01 April 2020. Collection method: clinical testing. Allele origin: unknown.
Comment: The PLA2G6 c.1903C>T (p.Arg635Ter) variant is a stop-gained variant predicted to result in premature termination of the protein. The p.Arg635Ter variant has been reported in at least five studies, in which it is found in a total of seven unrelated individuals, including in three in a homozygous state and in four in a compound heterozygous state (Morgan et al. 2006; Zhang et al. 2013; Sawyer et al. 2014; Romani et al. 2015; Darling et al. 2019). The clinical presentation of affected individuals was infant-onset of psychomotor regression or delay, hypotonia, strabismus, nystagmus, cerebellar atrophy, and variable brain iron accumulation. Control data are unavailable for this variant, which is reported at a frequency of 0.000051 in the European (non-Finnish) population of the Genome Aggregation Database. Based on the collective evidence and application of the ACMG criteria, the p.Arg635Ter variant is classified as pathogenic for PLA2G6-associated neurodegeneration.

Baylor Genetics
Classification: Pathogenic for Infantile neuroaxonal dystrophy. Last evaluated: 2017-09-01. Review status: criteria provided, single submitter. Criteria: ACMG Guidelines, 2015. Collection method: clinical testing. Allele origin: germline. Inheritance: Autosomal recessive inheritance. Affected: yes.
Comment: Heterozygotes would be expected to be asymptomatic carriers.

Laboratory for Molecular Medicine, Mass General Brigham Personalized Medicine
Classification: Pathogenic for PLA2G6-associated neurodegeneration. Last evaluated: 2016-04-27. Review status: criteria provided, single submitter. Criteria: LMM Criteria. Collection method: clinical testing. Allele origin: germline. Inheritance: Autosomal recessive inheritance. Observed: 1 variant allele.
Comment: The p.Arg635X variant in PLA2G6 has been reported in 4 individuals with PLA2G6-a ssociated neurodegeneration, including one homozygote and 3 compound heterozygot es (Morgan 2006, Romani 2014, Sawyer 2014). Data from large population studies is insufficient to assess the frequency of this variant. This nonsense variant l eads to a premature termination codon at position 635 which is predicted to lead to a truncated or absent protein. In summary, this variant meets our criteria t o be classified as pathogenic for PLA2G6-associated neurodegeneration in an auto somal recessive manner.

Genetic Services Laboratory, University of Chicago
Classification: Pathogenic for iron accumulation in brain. Last evaluated: 2013-02-08. Review status: criteria provided, single submitter. Criteria: ACMG Guidelines, 2007. Collection method: clinical testing. Allele origin: germline. Inheritance: Autosomal recessive inheritance. Affected: yes.

Juno Genomics, Hangzhou Juno Genomics, Inc
Classification: Pathogenic for Infantile neuroaxonal dystrophy; Neurodegeneration with brain iron accumulation 2B; Autosomal recessive Parkinson disease 14. Review status: criteria provided, single submitter. Criteria: ACMG Guidelines, 2015. Collection method: clinical testing. Allele origin: germline.
Comment: Absent from controls (or at extremely low frequency if recessive) in Genome Aggregation Database.;Null variant in a gene where loss of function (LOF) is a known mechanism of disease.;For recessive disorders, detected in trans with a pathogenic variant.

Literature cited by the submitters: PubMed 22934738 (cited by 3 submitters); PubMed 16783378 (cited by 5 submitters); PubMed 18570303 (cited by Labcorp Genetics (formerly Invitae), Labcorp); PubMed 18799783 (cited by Labcorp Genetics (formerly Invitae), Labcorp); PubMed 22213678 (cited by Labcorp Genetics (formerly Invitae), Labcorp); PubMed 24108619 (cited by 4 submitters); PubMed 25164370 (cited by 3 submitters); PubMed 30340910 (cited by Illumina Laboratory Services, Illumina); PubMed 25326635 (cited by Baylor Genetics).

NM_003560.4(PLA2G6):c.1903C>T (p.Arg635Ter)

Gene: PLA2G6 (phospholipase A2 group VI; minus strand). Cytogenetic location: 22q13.1.
Variant type: single nucleotide variant.
Coding change: c.1903C>T on transcript NM_003560.4 (MANE Select); coding-DNA position 1903, C replaced by T.
Protein change: p.Arg635Ter; replaces arginine 635 with a stop codon.
Molecular consequence: nonsense.
Genome position (GRCh38, 1-based): chr22:38,115,658, G>A on the plus strand (C>T on the coding strand, the complement: PLA2G6 is on the minus strand). VCF-style: chr22-38115658-G-A. GRCh37 (hg19) VCF-style: chr22-38511665-G-A.
Other names: NM_003560.4(PLA2G6):c.1903C>T; p.Arg635Ter; c.1741C>T, p.Arg581Ter (NM_001004426.3, NM_001199562.3, NM_001349865.2 and 1 more transcripts); c.1903C>T, p.Arg635Ter (NM_001349864.2); c.1369C>T, p.Arg457Ter (NM_001349867.2); c.1225C>T, p.Arg409Ter (NM_001349868.2); c.1207C>T, p.Arg403Ter (NM_001349869.2); short protein forms R635*, R403*, R581*, R409*, R457*.
Identifiers: ClinVar variation 159749 (VCV000159749.29), dbSNP rs587784339, ClinGen allele CA173235.